The following is an entry in ClinVar:

NM_022454.4(SOX17):c.342_343delinsTT (p.Lys114_Arg115delinsAsnTrp)

Gene: SOX17 (SRY-box transcription factor 17; plus strand). Cytogenetic location: 8q11.23.
Variant type: Indel.
Coding change: c.342_343delinsTT on transcript NM_022454.4 (MANE Select); coding-DNA positions 342 to 343, GC replaced by TT.
Protein change: p.Lys114_Arg115delinsAsnTrp.
Molecular consequence: missense variant.
Genome position (GRCh38, 1-based): chr8:54,459,092-54,459,093, GC replaced by TT. VCF-style: chr8-54459092-GC-TT. GRCh37 (hg19) VCF-style: chr8-55371652-GC-TT.
Identifiers: ClinVar variation 2658603 (VCV002658603.24), dbSNP rs2536311809, ClinGen allele CA2695201467.
Genomic context (GRCh38, chr8:54,459,092, plus strand): 5'-CTCTCCCCCTTCCTTCCACTGTGCAGGCAAGTCGTGGAAGGCGCTGACGCTGGCGGAGAA[GC>TT]GGCCCTTCGTGGAGGAGGCAGAGCGGCTGCGCGTGCAGCACATGCAGGACCACCCCAACT-3'

ClinVar aggregate classification (germline): Uncertain significance (1 of 4 stars; one submission).

Submission:

CeGaT Center for Human Genetics Tuebingen
Classification: Uncertain significance. Last evaluated: 2023-08-01. Review status: criteria provided, single submitter. Criteria: CeGaT Center For Human Genetics Tuebingen Variant Classification Criteria Version 2. Collection method: clinical testing. Allele origin: germline. Affected: yes. Observed: 1 variant allele.
Comment: SOX17: PM2